The following is an entry in ClinVar:

ClinVar aggregate classification (germline): Uncertain significance (1 of 4 stars; one submission).

Conditions:
Spastic paraplegia. Identifiers: MedGen C0037772, HP:0001258.

Submission:

Labcorp Genetics (formerly Invitae), Labcorp
Classification: Uncertain significance for Spastic paraplegia. Last evaluated: 2023-06-28. Review status: criteria provided, single submitter. Criteria: Invitae Variant Classification Sherloc (09022015). Collection method: clinical testing. Allele origin: germline.
Comment: This sequence change replaces methionine, which is neutral and non-polar, with leucine, which is neutral and non-polar, at codon 52 of the ERLIN2 protein (p.Met52Leu). This variant is not present in population databases (gnomAD no frequency). In summary, the available evidence is currently insufficient to determine the role of this variant in disease. Therefore, it has been classified as a Variant of Uncertain Significance. Advanced modeling of protein sequence and biophysical properties (such as structural, functional, and spatial information, amino acid conservation, physicochemical variation, residue mobility, and thermodynamic stability) has been performed at Invitae for this missense variant, however the output from this modeling did not meet the statistical confidence thresholds required to predict the impact of this variant on ERLIN2 protein function. This variant has not been reported in the literature in individuals affected with ERLIN2-related conditions.

NM_007175.8(ERLIN2):c.154A>C (p.Met52Leu)

Gene: ERLIN2 (ER lipid raft associated 2; plus strand). Cytogenetic location: 8p11.23.
Variant type: single nucleotide variant.
Coding change: c.154A>C on transcript NM_007175.8 (MANE Select); coding-DNA position 154, A replaced by C.
Protein change: p.Met52Leu; replaces methionine 52 with leucine.
Molecular consequence: missense variant.
Genome position (GRCh38, 1-based): chr8:37,740,411, A>C. VCF-style: chr8-37740411-A-C. GRCh37 (hg19) VCF-style: chr8-37597929-A-C.
Other names: c.154A>C, p.Met52Leu (NM_001003790.4, NM_001003791.3, NM_001362878.2 and 1 more transcripts); short protein forms M52L.
Identifiers: ClinVar variation 2909085 (VCV002909085.3), dbSNP rs75881992, ClinGen allele CA370649960.